The following is an entry in ClinVar:

NM_003000.3(SDHB):c.175C>T (p.Gln59Ter)

Gene: SDHB (succinate dehydrogenase complex iron sulfur subunit B; minus strand). Cytogenetic location: 1p36.13.
Variant type: single nucleotide variant.
Coding change: c.175C>T on transcript NM_003000.3 (MANE Select); coding-DNA position 175, C replaced by T.
Protein change: p.Gln59Ter; replaces glutamine 59 with a stop codon.
Molecular consequence: nonsense.
Genome position (GRCh38, 1-based): chr1:17,044,786, G>A on the plus strand (C>T on the coding strand, the complement: SDHB is on the minus strand). VCF-style: chr1-17044786-G-A. GRCh37 (hg19) VCF-style: chr1-17371281-G-A.
Other names: c.175C>T, p.Gln59Ter (NM_001407361.1); short protein forms Q59*.
Identifiers: ClinVar variation 3951392 (VCV003951392.1).

ClinVar aggregate classification (germline): Pathogenic (1 of 4 stars; one submission).

Conditions:
Hereditary cancer-predisposing syndrome. Also called: Tumor predisposition; Hereditary neoplastic syndrome; Hereditary Cancer Syndrome; Neoplastic Syndromes, Hereditary. Identifiers: Orphanet 140162, MedGen C0027672, MeSH D009386, MONDO:0015356.

Submission:

Ambry Genetics
Classification: Pathogenic for Hereditary cancer-predisposing syndrome. Last evaluated: 2025-04-13. Review status: criteria provided, single submitter. Criteria: Ambry Variant Classification Scheme 2023. Collection method: clinical testing. Allele origin: germline.
Comment: The p.Q59* pathogenic mutation (also known as c.175C>T), located in coding exon 2 of the SDHB gene, results from a C to T substitution at nucleotide position 175. This changes the amino acid from a glutamine to a stop codon within coding exon 2. This variant was reported in individual(s) with a personal history of paraganglioma (Baysal BE et al. J Med Genet, 2002 Mar;39:178-83; Shi C et al. J Endocr Soc, 2023 Aug;7:bvad093). This variant is considered to be rare based on population cohorts in the Genome Aggregation Database (gnomAD). This alteration is expected to result in loss of function by premature protein truncation or nonsense-mediated mRNA decay. As such, this alteration is interpreted as a disease-causing mutation.

Literature cited by the submitters: PubMed 11897817; PubMed 37873498.